The following is an entry in ClinVar:

NM_015512.5(DNAH1):c.3815G>A (p.Arg1272Gln)

Gene: DNAH1 (dynein axonemal heavy chain 1; plus strand). Cytogenetic location: 3p21.1.
Variant type: single nucleotide variant.
Coding change: c.3815G>A on transcript NM_015512.5 (MANE Select); coding-DNA position 3815, G replaced by A.
Protein change: p.Arg1272Gln; replaces arginine 1272 with glutamine.
Molecular consequence: missense variant.
Genome position (GRCh38, 1-based): chr3:52,356,735, G>A. VCF-style: chr3-52356735-G-A. GRCh37 (hg19) VCF-style: chr3-52390751-G-A.
Other names: short protein forms R1272Q.
Identifiers: ClinVar variation 1030508 (VCV001030508.5), dbSNP rs748124296, ClinGen allele CA2433701.

ClinVar aggregate classification (germline): Uncertain significance. Review status: criteria provided, multiple submitters, no conflicts (2 of 4 stars). 3 submissions from 3 submitters: Uncertain significance (3). Last evaluated 2024-08-20.

Conditions:
Spermatogenic failure 18. Identifiers: MedGen C4539783, MONDO:0054615, OMIM 617576.
Ciliary dyskinesia, primary, 37 (CILD37). Also called: CILIARY DYSKINESIA, PRIMARY, 37, WITH OR WITHOUT SITUS INVERSUS. Identifiers: MedGen C4539798, MONDO:0033204, OMIM 617577.

Allele frequency attached by ClinVar (database versions not stated): ExAC 0.00001; TOPMed 0.00001; gnomAD exomes 0.00002.
gnomAD v4.1: 26 of 1,613,452 alleles (0.0016%); highest among the groups gnomAD compares: East Asian, 0.011%; no homozygotes.

Submissions (3):

Ambry Genetics
Classification: Uncertain significance. Last evaluated: 2024-08-20. Review status: criteria provided, single submitter. Criteria: Ambry Variant Classification Scheme 2023. Collection method: clinical testing. Allele origin: germline.

Labcorp Genetics (formerly Invitae), Labcorp
Classification: Uncertain significance for Ciliary dyskinesia, primary, 37; Spermatogenic failure 18. Last evaluated: 2023-12-11. Review status: criteria provided, single submitter. Criteria: Invitae Variant Classification Sherloc (09022015). Collection method: clinical testing. Allele origin: germline.
Comment: This sequence change replaces arginine, which is basic and polar, with glutamine, which is neutral and polar, at codon 1272 of the DNAH1 protein (p.Arg1272Gln). This variant is present in population databases (rs748124296, gnomAD 0.03%). This variant has not been reported in the literature in individuals affected with DNAH1-related conditions. ClinVar contains an entry for this variant (Variation ID: 1030508). Advanced modeling of protein sequence and biophysical properties (such as structural, functional, and spatial information, amino acid conservation, physicochemical variation, residue mobility, and thermodynamic stability) performed at Invitae indicates that this missense variant is not expected to disrupt DNAH1 protein function with a negative predictive value of 80%. In summary, the available evidence is currently insufficient to determine the role of this variant in disease. Therefore, it has been classified as a Variant of Uncertain Significance.

Baylor Genetics
Classification: Uncertain significance for Ciliary dyskinesia, primary, 37. Last evaluated: 2020-10-09. Review status: criteria provided, single submitter. Criteria: ACMG Guidelines, 2015. Collection method: clinical testing. Allele origin: unknown. Affected: yes.
Comment: This variant was determined to be of uncertain significance according to ACMG Guidelines, 2015 [PMID:25741868].